The following is an entry in ClinVar:

ClinVar aggregate classification (germline): Uncertain significance. Review status: criteria provided, single submitter (1 of 4 stars). 2 submissions from 2 submitters: Uncertain significance (1). 1 of the submissions does not count toward it. Last evaluated 2025-04-17.

Conditions:
TSHZ1-related disorder. Also called: TSHZ1-related condition.

gnomAD v4.1: 44 of 1,614,116 alleles (0.0027%); highest among the groups gnomAD compares: Non-Finnish European, 0.0035%; no homozygotes.

Submissions (2):

Ambry Genetics
Classification: Uncertain significance. Last evaluated: 2025-04-17. Review status: criteria provided, single submitter. Criteria: Ambry Variant Classification Scheme 2023. Collection method: clinical testing. Allele origin: germline.

PreventionGenetics, part of Exact Sciences
Classification: Uncertain significance for TSHZ1-related condition. Last evaluated: 2024-03-12. Review status: no assertion criteria provided. Collection method: clinical testing. Allele origin: germline. Not counted in ClinVar's aggregate classification.
Comment: The TSHZ1 c.2976C>A variant is predicted to result in the amino acid substitution p.Phe992Leu. To our knowledge, this variant has not been reported in the literature. This variant is reported in 0.0062% of alleles in individuals of African descent in gnomAD. At this time, the clinical significance of this variant is uncertain due to the absence of conclusive functional and genetic evidence.

NM_001308210.2(TSHZ1):c.3111C>A (p.Phe1037Leu)

Gene: TSHZ1 (teashirt zinc finger homeobox 1; plus strand). Cytogenetic location: 18q22.3.
Variant type: single nucleotide variant.
Coding change: c.3111C>A on transcript NM_001308210.2 (MANE Select); coding-DNA position 3111, C replaced by A.
Protein change: p.Phe1037Leu; replaces phenylalanine 1037 with leucine.
Molecular consequence: missense variant.
Genome position (GRCh38, 1-based): chr18:75,288,518, C>A. VCF-style: chr18-75288518-C-A. GRCh37 (hg19) VCF-style: chr18-73000473-C-A.
Other names: c.2976C>A, p.Phe992Leu (NM_005786.6); c.2976C>A (NM_005786.4); short protein forms F1037L, F992L.
Identifiers: ClinVar variation 3354776 (VCV003354776.2).